The following is an entry in ClinVar:

NM_006922.4(SCN3A):c.4924C>T (p.Arg1642Cys)

Gene: SCN3A (sodium voltage-gated channel alpha subunit 3; minus strand). Cytogenetic location: 2q24.3.
Variant type: single nucleotide variant.
Coding change: c.4924C>T on transcript NM_006922.4 (MANE Select); coding-DNA position 4924, C replaced by T.
Protein change: p.Arg1642Cys; replaces arginine 1642 with cysteine.
Molecular consequence: missense variant.
Genome position (GRCh38, 1-based): chr2:165,091,229, G>A on the plus strand (C>T on the coding strand, the complement: SCN3A is on the minus strand). VCF-style: chr2-165091229-G-A. GRCh37 (hg19) VCF-style: chr2-165947739-G-A.
Other names: c.4777C>T, p.Arg1593Cys (NM_001081676.2, NM_001081677.2); short protein forms R1642C, R1593C.
Identifiers: ClinVar variation 521103 (VCV000521103.8), dbSNP rs1312429782, ClinGen allele CA349018005.
Genomic context (GRCh38, chr2:165,091,229, plus strand): 5'-GCAGGAGGCCGATGTTAAACAACGCAGGAAGGGACATCATCAAAGCAAAGAGCAGCGTGC[G>A]GATCCCCTTTGCTCCTTTGATCAGACGTAGGATTCGGCCAATCCTGGCAAGACGGATCAC-3'
Protein context (NP_008853.3, residues 1632-1652): LRLIKGAKGI[Arg1642Cys]TLLFALMMSL

ClinVar aggregate classification (germline): Uncertain significance. Review status: criteria provided, multiple submitters, no conflicts (2 of 4 stars). 2 submissions from 2 submitters: Uncertain significance (2). Last evaluated 2025-06-08.

Conditions:
Inborn genetic diseases. Identifiers: MedGen C0950123, MeSH D030342.

Allele frequency attached by ClinVar (database versions not stated): TOPMed below 0.00001; gnomAD 0.00001; gnomAD exomes below 0.00001.
gnomAD v4.1: 4 of 1,613,960 alleles (0.00025%); highest among the groups gnomAD compares: Non-Finnish European, 0.00034%; no homozygotes.

Submissions (3):

Labcorp Genetics (formerly Invitae), Labcorp
Classification: Uncertain significance. Last evaluated: 2025-06-08. Review status: criteria provided, single submitter. Criteria: Invitae Variant Classification Sherloc (09022015). Collection method: clinical testing. Allele origin: germline.
Comment: This sequence change replaces arginine, which is basic and polar, with cysteine, which is neutral and slightly polar, at codon 1642 of the SCN3A protein (p.Arg1642Cys). This variant is present in population databases (no rsID available, gnomAD 0.005%). This missense change has been observed in individual(s) with SCN3A-related conditions (PMID: 29466837). ClinVar contains an entry for this variant (Variation ID: 521103). Invitae Evidence Modeling of protein sequence and biophysical properties (such as structural, functional, and spatial information, amino acid conservation, physicochemical variation, residue mobility, and thermodynamic stability) has been performed for this missense variant. However, the output from this modeling did not meet the statistical confidence thresholds required to predict the impact of this variant on SCN3A protein function. In summary, the available evidence is currently insufficient to determine the role of this variant in disease. Therefore, it has been classified as a Variant of Uncertain Significance.

Ambry Genetics
Classification: Uncertain significance for Inborn genetic diseases. Last evaluated: 2016-05-31. Review status: criteria provided, single submitter. Criteria: Ambry exome assertion method (8-5-2015). Collection method: clinical testing. Allele origin: germline. Affected: yes. Observed: 1 variant allele.

Channelopathy-Associated Epilepsy Research Center
No classification provided (evidence only). Condition: Developmental and epileptic encephalopathy. Review status: no classification provided. Collection method: literature only. Allele origin: not applicable. Functional consequence: Normal slope of activation, Normal voltage dependence of activation, Normal voltage dependence of fast inactivation, Normal persistent current, Normal peak current, Decrease in slope of fast inactivation, Overall normal function. Not counted in ClinVar's aggregate classification.
ClinVar note: "not provided" was previously submitted as the classification for the variant. However, the classification appeared to be based only on an observation of functional data so it was converted to no classification on 2025-07-30.

Literature cited by the submitters: PubMed 29466837 (cited by Labcorp Genetics (formerly Invitae), Labcorp and Channelopathy-Associated Epilepsy Research Center); PubMed 22787448 (cited by Ambry Genetics); PubMed 10051516 (cited by Ambry Genetics).